The following is an entry in ClinVar:

ClinVar aggregate classification (germline): Pathogenic (1 of 4 stars; one submission).

Conditions:
Episodic ataxia type 2 (EA2). Also called: ACETAZOLAMIDE-RESPONSIVE HEREDITARY PAROXYSMAL CEREBELLAR ATAXIA; ATAXIA, EPISODIC, WITH NYSTAGMUS; ATAXIA, FAMILIAL PAROXYSMAL; CEREBELLAR ATAXIA, PAROXYSMAL, ACETAZOLAMIDE-RESPONSIVE; CEREBELLOPATHY, HEREDITARY PAROXYSMAL; EPISODIC ATAXIA, NYSTAGMUS-ASSOCIATED. Identifiers: Orphanet 97, MedGen C1720416, MONDO:0007163, OMIM 108500.
Developmental and epileptic encephalopathy, 42 (DEE42A). Also called: Epileptic encephalopathy, early infantile, 42; DEVELOPMENTAL AND EPILEPTIC ENCEPHALOPATHY 42A; EPILEPTIC ENCEPHALOPATHY, EARLY INFANTILE, 42A. Identifiers: MedGen C4310716, MONDO:0014917, OMIM 617106.

Submission:

Labcorp Genetics (formerly Invitae), Labcorp
Classification: Pathogenic for Developmental and epileptic encephalopathy, 42; Episodic ataxia type 2. Last evaluated: 2025-09-24. Review status: criteria provided, single submitter. Criteria: Invitae Variant Classification Sherloc (09022015). Collection method: clinical testing. Allele origin: germline.
Comment: This sequence change creates a premature translational stop signal (p.Phe916Serfs*154) in the CACNA1A gene. It is expected to result in an absent or disrupted protein product. Loss-of-function variants in CACNA1A are known to be pathogenic (PMID: 10371528, 19486177, 25735478, 27250579). This variant is not present in population databases (gnomAD no frequency). This variant has not been reported in the literature in individuals affected with CACNA1A-related conditions. For these reasons, this variant has been classified as Pathogenic.

Literature cited by the submitters: PubMed 10371528; PubMed 19486177; PubMed 25735478; PubMed 27250579.

NM_001127222.2(CACNA1A):c.2739del (p.Phe915fs)

Gene: CACNA1A (calcium voltage-gated channel subunit alpha1 A; minus strand). Cytogenetic location: 19p13.13.
Variant type: Deletion.
Coding change: c.2739del on transcript NM_001127222.2 (MANE Select); coding-DNA position 2739, one base deleted (C; older notation c.2739delC).
Protein change: p.Phe915fs; shifts the reading frame from phenylalanine 915.
Molecular consequence: frameshift variant.
Genome position (GRCh38, 1-based): chr19:13,298,894, G deleted on the plus strand (C on the coding strand, the reverse complement: CACNA1A is on the minus strand); the first of 3 consecutive G bases (chr19:13,298,894-13,298,896); deleting any one gives the same sequence. VCF-style (leftmost placement, unchanged base first): chr19-13298893-CG-C. GRCh37 (hg19) VCF-style: chr19-13409707-CG-C.
Other names: c.2751del, p.Phe919fs (NM_000068.4, NM_023035.3); c.2742del, p.Phe916fs (NM_001127221.2, NM_001174080.2); short protein forms F915fs, F919fs, F916fs.
Identifiers: ClinVar variation 4786224 (VCV004786224.1).